The following is an entry in ClinVar:

ClinVar aggregate classification (germline): Likely benign (0 of 4 stars; one submission).

Conditions:
NPHP4-related disorder. Also called: NPHP4-related disorders; NPHP4-related condition. Identifiers: MedGen CN239384.

Allele frequency attached by ClinVar (database versions not stated): TOPMed below 0.00001.

Submission:

PreventionGenetics, part of Exact Sciences
Classification: Likely benign for NPHP4-related condition. Last evaluated: 2024-02-27. Review status: no assertion criteria provided. Collection method: clinical testing. Allele origin: germline.
Comment: This variant is classified as likely benign based on ACMG/AMP sequence variant interpretation guidelines (Richards et al. 2015 PMID: 25741868, with internal and published modifications).

NM_015102.5(NPHP4):c.1188C>T (p.Pro396=)

Gene: NPHP4 (nephrocystin 4; minus strand). Cytogenetic location: 1p36.31.
Variant type: single nucleotide variant.
Coding change: c.1188C>T on transcript NM_015102.5 (MANE Select); coding-DNA position 1188, C replaced by T.
Protein change: p.Pro396=; no amino-acid change (proline 396 retained).
Molecular consequence: synonymous variant. On other transcripts: 5 prime UTR variant (2), non-coding transcript variant (1).
Genome position (GRCh38, 1-based): chr1:5,933,261, G>A on the plus strand (C>T on the coding strand, the complement: NPHP4 is on the minus strand). VCF-style: chr1-5933261-G-A. GRCh37 (hg19) VCF-style: chr1-5993321-G-A.
Other names: c.-179C>T (NM_001291593.2, NM_001291594.2).
Identifiers: ClinVar variation 3061259 (VCV003061259.2), dbSNP rs1646369876, ClinGen allele CA415786786.